The following is an entry in ClinVar:

ClinVar aggregate classification (germline): Uncertain significance. Review status: criteria provided, multiple submitters, no conflicts (2 of 4 stars). 5 submissions from 5 submitters: Uncertain significance (5). Last evaluated 2024-06-18.

Conditions:
Inborn genetic diseases. Identifiers: MedGen C0950123, MeSH D030342.
Fraser syndrome 1 (FRASRS1). Also called: CRYPTOPHTHALMOS WITH OTHER MALFORMATIONS. Identifiers: Orphanet 2052, MedGen C4551480, MONDO:0054737, OMIM 219000.

Allele frequency attached by ClinVar (database versions not stated): ExAC 0.00003; gnomAD exomes 0.00004 and 0.00001; gnomAD 0.00001 and 0.00002; TOPMed 0.00001.

Submissions (5):

Fulgent Genetics
Classification: Uncertain significance for Fraser syndrome 1. Last evaluated: 2024-06-18. Review status: criteria provided, single submitter. Criteria: ACMG Guidelines, 2015. Collection method: clinical testing. Allele origin: germline.

Labcorp Genetics (formerly Invitae), Labcorp
Classification: Uncertain significance. Last evaluated: 2024-06-03. Review status: criteria provided, single submitter. Criteria: Invitae Variant Classification Sherloc (09022015). Collection method: clinical testing. Allele origin: germline.
Comment: This sequence change replaces arginine, which is basic and polar, with cysteine, which is neutral and slightly polar, at codon 633 of the FRAS1 protein (p.Arg633Cys). This variant is present in population databases (rs370349229, gnomAD 0.05%). This variant has not been reported in the literature in individuals affected with FRAS1-related conditions. ClinVar contains an entry for this variant (Variation ID: 281549). An algorithm developed to predict the effect of missense changes on protein structure and function (PolyPhen-2) suggests that this variant¬†is likely to be tolerated. Algorithms developed to predict the effect of sequence changes on RNA splicing suggest that this variant may disrupt the consensus splice site. In summary, the available evidence is currently insufficient to determine the role of this variant in disease. Therefore, it has been classified as a Variant of Uncertain Significance.

Ambry Genetics
Classification: Uncertain significance for Inborn genetic diseases. Last evaluated: 2023-06-02. Review status: criteria provided, single submitter. Criteria: Ambry Variant Classification Scheme 2023. Collection method: clinical testing. Allele origin: germline.

Blueprint Genetics
Classification: Uncertain significance. Last evaluated: 2020-04-02. Review status: criteria provided, single submitter. Criteria: ACMG Guidelines, 2015. Collection method: clinical testing. Allele origin: germline.

Eurofins Ntd Llc (ga)
Classification: Uncertain significance. Last evaluated: 2015-06-26. Review status: criteria provided, single submitter. Criteria: EGL Classification Definitions 2015. Collection method: clinical testing. Allele origin: germline.

NM_025074.7(FRAS1):c.1897C>T (p.Arg633Cys)

Gene: FRAS1 (Fraser extracellular matrix complex subunit 1; plus strand). Cytogenetic location: 4q21.21.
Variant type: single nucleotide variant.
Coding change: c.1897C>T on transcript NM_025074.7 (MANE Select); coding-DNA position 1897, C replaced by T.
Protein change: p.Arg633Cys; replaces arginine 633 with cysteine.
Molecular consequence: missense variant.
Genome position (GRCh38, 1-based): chr4:78,317,445, C>T. VCF-style: chr4-78317445-C-T. GRCh37 (hg19) VCF-style: chr4-79238599-C-T.
Other names: c.1897C>T (NM_025074.6); c.1897C>T, p.Arg633Cys (NM_001166133.2); short protein forms R633C.
Identifiers: ClinVar variation 281549 (VCV000281549.11), dbSNP rs370349229, ClinGen allele CA2976479.